The following is an entry in ClinVar:

ClinVar aggregate classification (germline): Conflicting classifications of pathogenicity. Review status: criteria provided, conflicting classifications (1 of 4 stars). 3 submissions from 3 submitters: Uncertain significance (2); Likely benign (1). Last evaluated 2025-10-16.

Conditions:
Cerebellar atrophy with seizures and variable developmental delay. Identifiers: MedGen C5193132, MONDO:0032788, OMIM 618501.
Developmental and epileptic encephalopathy. Identifiers: MedGen C5779964, MONDO:0100620.

Allele frequency attached by ClinVar (database versions not stated): gnomAD 0.00021; 1000 Genomes Project 30x 0.00031; TOPMed 0.00014.

Submissions (3):

Mayo Clinic Laboratories, Mayo Clinic
Classification: Uncertain significance. Last evaluated: 2025-10-16. Review status: criteria provided, single submitter. Criteria: ACMG Guidelines, 2015. Collection method: clinical testing. Allele origin: germline. Observed: 1 variant allele.
Comment: BP4_moderate

3billion
Classification: Likely benign for Cerebellar atrophy with seizures and variable developmental delay. Last evaluated: 2024-09-20. Review status: criteria provided, single submitter. Criteria: ACMG Guidelines, 2015. Collection method: clinical testing. Allele origin: germline. Affected: no.
Comment: The homozygous variant was found in patients diagnosed with another variant in a different gene, with no symptoms related to the gene containing the homozygous variant.

Labcorp Genetics (formerly Invitae), Labcorp
Classification: Uncertain significance for Early-infantile DEE. Last evaluated: 2023-12-21. Review status: criteria provided, single submitter. Criteria: Invitae Variant Classification Sherloc (09022015). Collection method: clinical testing. Allele origin: germline.
Comment: This sequence change replaces arginine, which is basic and polar, with proline, which is neutral and non-polar, at codon 6 of the CACNA2D2 protein (p.Arg6Pro). This variant is present in population databases (no rsID available, gnomAD 0.2%). This variant has not been reported in the literature in individuals affected with CACNA2D2-related conditions. ClinVar contains an entry for this variant (Variation ID: 461303). Experimental studies and prediction algorithms are not available or were not evaluated, and the functional significance of this variant is currently unknown. In summary, the available evidence is currently insufficient to determine the role of this variant in disease. Therefore, it has been classified as a Variant of Uncertain Significance.

NM_006030.4(CACNA2D2):c.17G>C (p.Arg6Pro)

Gene: CACNA2D2 (calcium voltage-gated channel auxiliary subunit alpha2delta 2; minus strand). Cytogenetic location: 3p21.31.
Variant type: single nucleotide variant.
Coding change: c.17G>C on transcript NM_006030.4 (MANE Select); coding-DNA position 17, G replaced by C.
Protein change: p.Arg6Pro; replaces arginine 6 with proline.
Molecular consequence: missense variant. On other transcripts: intron variant (1).
Genome position (GRCh38, 1-based): chr3:50,503,407, C>G on the plus strand (G>C on the coding strand, the complement: CACNA2D2 is on the minus strand). VCF-style: chr3-50503407-C-G. GRCh37 (hg19) VCF-style: chr3-50540838-C-G.
Other names: p.Arg6Pro; c.17G>C, p.Arg6Pro (NM_001005505.3, NM_001174051.3); c.-2+662G>C (NM_001291101.1); short protein forms R6P.
Identifiers: ClinVar variation 461303 (VCV000461303.10), dbSNP rs1317078806, ClinGen allele CA353000543.